The following is an entry in ClinVar:

NM_001352514.2(HLCS):c.1543del (p.Ile514_Leu515insTer)

Gene: HLCS (holocarboxylase synthetase; minus strand). Cytogenetic location: 21q22.13.
Variant type: Deletion.
Coding change: c.1543del on transcript NM_001352514.2 (MANE Select); coding-DNA position 1543, one base deleted (C; older notation c.1543delC).
Protein change: p.Ile514_Leu515insTer.
Molecular consequence: nonsense. On other transcripts: non-coding transcript variant (2).
Genome position (GRCh38, 1-based): chr21:36,930,328, G deleted on the plus strand (C on the coding strand, the reverse complement: HLCS is on the minus strand). VCF-style (leftmost placement, unchanged base first): chr21-36930327-AG-A. GRCh37 (hg19) VCF-style: chr21-38302627-AG-A.
Other names: c.1102del, p.Ile367_Leu368insTer (NM_000411.8, NM_001242784.3, NM_001242785.2 and 4 more transcripts).
Identifiers: ClinVar variation 1458476 (VCV001458476.8), dbSNP rs1288789420, ClinGen allele CA637783638.

ClinVar aggregate classification (germline): Pathogenic (1 of 4 stars; one submission).

Conditions:
Holocarboxylase synthetase deficiency. Also called: MULTIPLE CARBOXYLASE DEFICIENCY, EARLY ONSET. Identifiers: Orphanet 79242, MedGen C0268581, MONDO:0009666, OMIM 253270.

Allele frequency attached by ClinVar (database versions not stated): gnomAD exomes below 0.00001; TOPMed below 0.00001; gnomAD 0.00001.

Submission:

Labcorp Genetics (formerly Invitae), Labcorp
Classification: Pathogenic for Holocarboxylase synthetase deficiency. Last evaluated: 2023-10-11. Review status: criteria provided, single submitter. Criteria: Invitae Variant Classification Sherloc (09022015). Collection method: clinical testing. Allele origin: germline.
Comment: This sequence change creates a premature translational stop signal (p.Leu368*) in the HLCS gene. It is expected to result in an absent or disrupted protein product. Loss-of-function variants in HLCS are known to be pathogenic (PMID: 16134170). This variant is present in population databases (no rsID available, gnomAD 0.0009%). This variant has not been reported in the literature in individuals affected with HLCS-related conditions. ClinVar contains an entry for this variant (Variation ID: 1458476). For these reasons, this variant has been classified as Pathogenic.

Literature cited by the submitters: PubMed 16134170.